The following is an entry in ClinVar:

NM_000701.8(ATP1A1):c.205G>A (p.Ala69Thr)

Gene: ATP1A1 (ATPase Na+/K+ transporting subunit alpha 1; plus strand). Cytogenetic location: 1p13.1.
Variant type: single nucleotide variant.
Coding change: c.205G>A on transcript NM_000701.8 (MANE Select); coding-DNA position 205, G replaced by A.
Protein change: p.Ala69Thr; replaces alanine 69 with threonine.
Molecular consequence: missense variant.
Genome position (GRCh38, 1-based): chr1:116,387,309, G>A. VCF-style: chr1-116387309-G-A. GRCh37 (hg19) VCF-style: chr1-116929931-G-A.
Other names: c.205G>A (NM_000701.7); c.205G>A, p.Ala69Thr (NM_001160233.2); c.112G>A, p.Ala38Thr (NM_001160234.2); short protein forms A69T, A38T.
Identifiers: ClinVar variation 3455791 (VCV003455791.3).
Genomic context (GRCh38, chr1:116,387,309, plus strand): 5'-TGGTACAGTTTGCCTTATTTATATTCCACTGCTTCTCAGGGATTAACATCTGCTCGTGCA[G>A]CTGAGATCCTGGCGCGAGATGGTCCCAACGCCCTCACTCCCCCTCCCACTACTCCTGAAT-3'
Protein context (NP_000692.2, residues 59-79): LSRGLTSARA[Ala69Thr]EILARDGPNA

ClinVar aggregate classification (germline): Uncertain significance. Review status: criteria provided, multiple submitters, no conflicts (2 of 4 stars). 3 submissions from 3 submitters: Uncertain significance (3). Last evaluated 2026-02-25.

Conditions:
Inborn genetic diseases. Identifiers: MedGen C0950123, MeSH D030342.

Submissions (3):

GeneDx
Classification: Uncertain significance. Last evaluated: 2026-02-25. Review status: criteria provided, single submitter. Criteria: GeneDx Variant Classification Process June 2021. Collection method: clinical testing. Allele origin: germline.
Comment: Not observed at significant frequency in large population cohorts (gnomAD); In silico analysis suggests that this missense variant does not alter protein structure/function; Has not been previously published as pathogenic or benign to our knowledge

Labcorp Genetics (formerly Invitae), Labcorp
Classification: Uncertain significance. Last evaluated: 2025-07-18. Review status: criteria provided, single submitter. Criteria: Invitae Variant Classification Sherloc (09022015). Collection method: clinical testing. Allele origin: germline.
Comment: This sequence change replaces alanine, which is neutral and non-polar, with threonine, which is neutral and polar, at codon 69 of the ATP1A1 protein (p.Ala69Thr). This variant is not present in population databases (gnomAD no frequency). This variant has not been reported in the literature in individuals affected with ATP1A1-related conditions. ClinVar contains an entry for this variant (Variation ID: 3455791). Invitae Evidence Modeling of protein sequence and biophysical properties (such as structural, functional, and spatial information, amino acid conservation, physicochemical variation, residue mobility, and thermodynamic stability) indicates that this missense variant is not expected to disrupt ATP1A1 protein function with a negative predictive value of 95%. In summary, the available evidence is currently insufficient to determine the role of this variant in disease. Therefore, it has been classified as a Variant of Uncertain Significance.

Ambry Genetics
Classification: Uncertain significance for Inborn genetic diseases. Last evaluated: 2024-11-11. Review status: criteria provided, single submitter. Criteria: Ambry Variant Classification Scheme 2023. Collection method: clinical testing. Allele origin: germline.